The following is an entry in ClinVar:

NM_001232.4(CASQ2):c.478C>A (p.Arg160Ser)

Gene: CASQ2 (calsequestrin 2; minus strand). Cytogenetic location: 1p13.1.
Variant type: single nucleotide variant.
Coding change: c.478C>A on transcript NM_001232.4 (MANE Select); coding-DNA position 478, C replaced by A.
Protein change: p.Arg160Ser; replaces arginine 160 with serine.
Molecular consequence: missense variant.
Genome position (GRCh38, 1-based): chr1:115,738,278, G>T on the plus strand (C>A on the coding strand, the complement: CASQ2 is on the minus strand). VCF-style: chr1-115738278-G-T. GRCh37 (hg19) VCF-style: chr1-116280899-G-T.
Other names: short protein forms R160S.
Identifiers: ClinVar variation 3221461 (VCV003221461.1), dbSNP rs750680032, ClinGen allele CA341763897.

ClinVar aggregate classification (germline): Uncertain significance (1 of 4 stars; one submission).

Conditions:
Cardiovascular phenotype. Identifiers: MedGen CN230736.

gnomAD v4.1: 1 of 1,613,944 alleles (0.000062%); highest among the groups gnomAD compares: Admixed American, 0.0017%; no homozygotes.

Submission:

Ambry Genetics
Classification: Uncertain significance for Cardiovascular phenotype. Last evaluated: 2024-01-23. Review status: criteria provided, single submitter. Criteria: Ambry Variant Classification Scheme 2023. Collection method: clinical testing. Allele origin: germline.
Comment: The p.R160S variant (also known as c.478C>A), located in coding exon 4 of the CASQ2 gene, results from a C to A substitution at nucleotide position 478. The arginine at codon 160 is replaced by serine, an amino acid with dissimilar properties. This amino acid position is well conserved in available vertebrate species. In addition, this alteration is predicted to be tolerated by in silico analysis. Based on the available evidence, the clinical significance of this alteration remains unclear.